The following is an entry in ClinVar:

ClinVar aggregate classification (germline): Likely pathogenic (1 of 4 stars; one submission).

Conditions:
Jalili syndrome. Also called: CONE-ROD DYSTROPHY AND AMELOGENESIS IMPERFECTA. Identifiers: Orphanet 1873, MedGen C3495589, MONDO:0009007, OMIM 217080.

Submission:

DNA-diagnostics Laboratory, Research Centre For Medical Genetics
Classification: Likely pathogenic for Jalili syndrome. Review status: criteria provided, single submitter. Criteria: ACMG Guidelines, 2015. Collection method: clinical testing. Allele origin: germline. Inheritance: Autosomal recessive inheritance. Affected: yes. Observed: 4 variant alleles, 2 heterozygotes, 2 homozygotes.
Comment: A homozygous missense variant c.1667G>C, p.Arg556Pro, in CNNM4 was identified in 2 siblings with Jalili syndrome, their parents were heterozygous carriers of the allele. This variant is not present in population databases (gnomAD no frequency). Prediction programs predict it to be probably pathogenic. The variant was classified as likely pathogenic by ACMG guidelines (PM2, PP3, PP4, PP1-M).

NM_020184.4(CNNM4):c.1667G>C (p.Arg556Pro)

Gene: CNNM4 (cyclin and CBS domain divalent metal cation transport mediator 4; plus strand). Cytogenetic location: 2q11.2.
Variant type: single nucleotide variant.
Coding change: c.1667G>C on transcript NM_020184.4 (MANE Select); coding-DNA position 1667, G replaced by C.
Protein change: p.Arg556Pro; replaces arginine 556 with proline.
Molecular consequence: missense variant.
Genome position (GRCh38, 1-based): chr2:96,797,633, G>C. VCF-style: chr2-96797633-G-C. GRCh37 (hg19) VCF-style: chr2-97463370-G-C.
Other names: short protein forms R556P.
Identifiers: ClinVar variation 4073592 (VCV004073592.1).
Genomic context (GRCh38, chr2:96,797,633, plus strand): 5'-AGGATGCGGACAATGAGCTCAAAGTGAAAATCTCCCCGCAGCTCCTCCTGGCCGCTCATC[G>C]CTTCCTAGCCACAGGTAGCATGAGGAGGACCTTCCGGTCTTGGTGGAAATACGGTCACGG-3'
Protein context (NP_064569.3, residues 546-566): ISPQLLLAAH[Arg556Pro]FLATEVSQFS